The following is an entry in ClinVar:

ClinVar aggregate classification (germline): Conflicting classifications of pathogenicity. Review status: criteria provided, conflicting classifications (1 of 4 stars). 2 submissions from 2 submitters: Uncertain significance (1); Likely benign (1). Last evaluated 2026-02-01.

Conditions:
Inborn genetic diseases. Identifiers: MedGen C0950123, MeSH D030342.

Allele frequency attached by ClinVar (database versions not stated): ExAC 0.00002; gnomAD 0.00002; TOPMed 0.00002; ESP Exome Variant Server 0.00008.
gnomAD v4.1: 25 of 1,614,082 alleles (0.0015%); highest among the groups gnomAD compares: Middle Eastern, 0.016%; no homozygotes.

Submissions (2):

CeGaT Center for Human Genetics Tuebingen
Classification: Likely benign. Last evaluated: 2026-02-01. Review status: criteria provided, single submitter. Criteria: CeGaT Center For Human Genetics Tuebingen Variant Classification Criteria Version 2. Collection method: clinical testing. Allele origin: germline. Affected: yes. Observed: 1 variant allele.
Comment: MAP1B: BP4

Ambry Genetics
Classification: Uncertain significance for Inborn genetic diseases. Last evaluated: 2022-06-03. Review status: criteria provided, single submitter. Criteria: Ambry Variant Classification Scheme 2023. Collection method: clinical testing. Allele origin: germline.

NM_005909.5(MAP1B):c.6824C>T (p.Ala2275Val)

Gene: MAP1B (microtubule associated protein 1B; plus strand). Cytogenetic location: 5q13.2.
Variant type: single nucleotide variant.
Coding change: c.6824C>T on transcript NM_005909.5 (MANE Select); coding-DNA position 6824, C replaced by T.
Protein change: p.Ala2275Val; replaces alanine 2275 with valine.
Molecular consequence: missense variant.
Genome position (GRCh38, 1-based): chr5:72,200,179, C>T. VCF-style: chr5-72200179-C-T. GRCh37 (hg19) VCF-style: chr5-71496006-C-T.
Other names: c.6446C>T, p.Ala2149Val (NM_001324255.2); short protein forms A2149V, A2275V.
Identifiers: ClinVar variation 2211325 (VCV002211325.6), dbSNP rs150487096, ClinGen allele CA3299534.
Genomic context (GRCh38, chr5:72,200,179, plus strand): 5'-CTTCACCTGTCAAAAAGAGTGATGGGAAGTCTAAGCCCTTGGCAGCTTCACCAAAACCAG[C>T]GGGCTTGAAAGAATCCTCGGATAAAGTGTCCAGGGTGGCTTCTCCTAAGAAGAAAGAATC-3'
Protein context (NP_005900.2, residues 2265-2285): SKPLAASPKP[Ala2275Val]GLKESSDKVS